The following is an entry in ClinVar:

NM_000256.3(MYBPC3):c.659A>G (p.Tyr220Cys)

Gene: MYBPC3 (myosin binding protein C3; minus strand). Cytogenetic location: 11p11.2.
Variant type: single nucleotide variant.
Coding change: c.659A>G on transcript NM_000256.3 (MANE Select); coding-DNA position 659, A replaced by G.
Protein change: p.Tyr220Cys; replaces tyrosine 220 with cysteine.
Molecular consequence: missense variant.
Genome position (GRCh38, 1-based): chr11:47,348,537, T>C on the plus strand (A>G on the coding strand, the complement: MYBPC3 is on the minus strand). VCF-style: chr11-47348537-T-C. GRCh37 (hg19) VCF-style: chr11-47370088-T-C.
Other names: c.659A>G, p.Tyr220Cys (LRG_386t1); short protein forms Y220C.
Identifiers: ClinVar variation 372419 (VCV000372419.16), dbSNP rs779693951, ClinGen allele CA056395.
Genomic context (GRCh38, chr11:47,348,537, plus strand): 5'-TCACAGCGGTAGCTGCCAGTGAAGGCAGGCTGGGCATCGGTGATGTGCAGCTCGAACAGA[T>C]AGACCTGTGTGCATGGAGGGACGGGGCGTCAGGGGACACCAGGGGCCGGGAGACAAGGCT-3'
Protein context (NP_000247.2, residues 210-230): HDSYDRASKV[Tyr220Cys]LFELHITDAQ

ClinVar aggregate classification (germline): Uncertain significance. Review status: criteria provided, multiple submitters, no conflicts (2 of 4 stars). 6 submissions from 6 submitters: Uncertain significance (6). Last evaluated 2026-02-01.

Conditions:
Cardiomyopathy (CMYO). Also called: Cardiomyopathies. Identifiers: Orphanet 167848, MedGen C0878544, MONDO:0004994, HP:0001638. Inheritance: Various modes of inheritance.
Hypertrophic cardiomyopathy 4. Also called: Familial hypertrophic cardiomyopathy 4. Identifiers: MedGen C1861862, MONDO:0007268, OMIM 115197.
Hypertrophic cardiomyopathy. Also called: HYPERTROPHIC MYOCARDIOPATHY. Identifiers: Orphanet 217569, MedGen C0007194, MeSH D002312, MONDO:0005045, HP:0001639.

Allele frequency attached by ClinVar (database versions not stated): gnomAD 0.00001 and 0.00003; TOPMed 0.00001; gnomAD exomes 0.00002; ExAC 0.00004.

Submissions (6):

Labcorp Genetics (formerly Invitae), Labcorp
Classification: Uncertain significance for Hypertrophic cardiomyopathy. Last evaluated: 2026-02-01. Review status: criteria provided, single submitter. Criteria: Invitae Variant Classification Sherloc (09022015). Collection method: clinical testing. Allele origin: germline.
Comment: This sequence change replaces tyrosine, which is neutral and polar, with cysteine, which is neutral and slightly polar, at codon 220 of the MYBPC3 protein (p.Tyr220Cys). This variant is present in population databases (rs779693951, gnomAD 0.02%). This missense change has been observed in individual(s) with dilated cardiomyopathy and/or hypertrophic cardiomyopathy (PMID: 29524613, 29907873, 34011823, 37652022, 39844436). ClinVar contains an entry for this variant (Variation ID: 372419). An algorithm developed to predict the effect of missense changes on protein structure and function (PolyPhen-2) suggests that this variant is likely to be disruptive. Studies have shown that this missense change does not affect mRNA splicing (PMID: 28679633). In summary, the available evidence is currently insufficient to determine the role of this variant in disease. Therefore, it has been classified as a Variant of Uncertain Significance.

Victorian Clinical Genetics Services, Murdoch Childrens Research Institute
Classification: Uncertain significance for Hypertrophic cardiomyopathy 4. Last evaluated: 2025-05-01. Review status: criteria provided, single submitter. Criteria: ACMG Guidelines, 2015. Collection method: clinical testing. Allele origin: germline. Affected: yes.
Comment: This variant is classified as VUS-3A. Evidence in support of pathogenic classification: Variant is present in gnomAD <0.01 (v4: 14 heterozygote(s), 0 homozygote(s)); Missense variant predicted to be damaging by in silico tool(s) or highly conserved with a major amino acid change. Additional information: Variant is predicted to result in a missense amino acid change from tyrosine to cysteine; This variant is heterozygous; This gene is associated with both recessive and dominant disease. Dominant inheritance is frequently reported in adult onset conditions and recessive inheritance results in a more severe early onset phenotype (OMIM); Alternative amino acid change(s) at the same position are present in gnomAD (Highest allele count: v4: 3 heterozygote(s), 0 homozygote(s)); Previous reports of pathogenicity for this variant are conflicting. This variant has been classified as a VUS by multiple clinical laboratories in ClinVar, and reported in the literature in homozygous, compound heterozygous, and heterozygous individuals with hypertrophic cardiomyopathy (PMIDs: 29524613, 33954932, 35629155, 33495596, 32841044, 29907873, 32815737). In addition, this variant has been reported once in the literature in an individual with dilated cardiomyopathy (PMID: 39844436); No published functional evidence has been identified for this variant; No comparable missense variants have previous evidence for pathogenicity; Variant is located in the annotated immunoglobulin I-set domain (DECIPHER); Loss of function is a known mechanism of disease in this gene and is associated with hypertrophic cardiomyopathy 4 (HCM; MIM#115197); Variants in this gene are known to have variable expressivity (PMID: 32841044); Inheritance information for this variant is not currently available in this individual.

All of Us Research Program, National Institutes of Health
Classification: Uncertain significance for Hypertrophic cardiomyopathy. Last evaluated: 2023-11-30. Review status: criteria provided, single submitter. Criteria: ACMG Guidelines, 2015. Collection method: clinical testing. Allele origin: germline. Inheritance: Autosomal dominant inheritance. Observed: 4 variant alleles, 4 heterozygotes.
Comment: This missense variant replaces tyrosine with cysteine at codon 220 of the MYBPC3 protein. Computational prediction is inconclusive regarding the impact of this variant on protein structure and function (internally defined REVEL score threshold 0.5 < inconclusive < 0.7, PMID: 27666373). A mini-gene assay showed that this variant did not alter RNA splicing (PMID: 34097875). To our knowledge, functional studies have not been performed for this variant. This variant has been reported in an individual affected with hypertrophic cardiomyopathy (PMID: 29524613); this individual also carried a pathogenic variant in the MYBPC3 gene that could explain the observed phenotype. The individual's parent also carried this variant and was asymptomatic. This variant has been identified in 6/275568 chromosomes in the general population by the Genome Aggregation Database (gnomAD). The available evidence is insufficient to determine the role of this variant in disease conclusively. Therefore, this variant is classified as a Variant of Uncertain Significance.

This study involves interpretation of variants in research participants for the purpose of population health screening. Participant phenotype was not available at the time of variant classification. Additional details can be found in publication PMID: 35346344, PMCID: PMC8962531

Color Diagnostics, LLC DBA Color Health
Classification: Uncertain significance for Cardiomyopathy. Last evaluated: 2022-12-08. Review status: criteria provided, single submitter. Criteria: ACMG Guidelines, 2015. Collection method: clinical testing. Allele origin: germline.
Comment: This missense variant replaces tyrosine with cysteine at codon 220 of the MYBPC3 protein. Computational prediction is inconclusive regarding the impact of this variant on protein structure and function (internally defined REVEL score threshold 0.5 < inconclusive < 0.7, PMID: 27666373). A mini-gene assay showed that this variant did not alter RNA splicing (PMID: 34097875). To our knowledge, functional studies have not been performed for this variant. This variant has been reported in an individual affected with hypertrophic cardiomyopathy (PMID: 29524613); this individual also carried a pathogenic variant in the MYBPC3 gene that could explain the observed phenotype. The individual's parent also carried this variant and was asymptomatic. This variant has been identified in 6/275568 chromosomes in the general population by the Genome Aggregation Database (gnomAD). The available evidence is insufficient to determine the role of this variant in disease conclusively. Therefore, this variant is classified as a Variant of Uncertain Significance.

CHEO Genetics Diagnostic Laboratory, Children's Hospital of Eastern Ontario
Classification: Uncertain significance for Cardiomyopathy. Last evaluated: 2019-03-01. Review status: criteria provided, single submitter. Criteria: ACMG Guidelines, 2015. Collection method: clinical testing. Allele origin: germline.

GeneDx
Classification: Uncertain significance. Last evaluated: 2016-11-09. Review status: criteria provided, single submitter. Criteria: GeneDx Variant Classification (06012015). Collection method: clinical testing. Allele origin: germline. Affected: yes.
Comment: A variant of uncertain significance has been identified in the MYBPC3 gene. The c.659 A>G (Y220C) variant has not been published as a pathogenic variant, nor has it been reported as a benign variant to our knowledge. However, segregation information is uninformative. The c.659 A>G (Y220C) variant was not observed in approximately 6,300 individuals of European and African American ancestry in the NHLBI Exome Sequencing Project, indicating it is not a common benign variant in these populations. At the protein level, the c.659 A>G (Y220C) variant is a non-conservative amino acid substitution, which is likely to impact secondary protein structure as these residues differ in polarity, charge, size and/or other properties. This substitution occurs at a position that is conserved in mammals, and in silico analysis predicts this variant is probably damaging to the protein structure/function. At the mRNA level, this substitution occurs at a nucleotide that is conserved across species, and two in silico splice prediction programs predict this variant may result in the creation of a cryptic splice donor site. However, in the absence of functional mRNA studies, the physiological consequence of this variant cannot be precisely determined.Therefore, based on the currently available information, it is unclear whether this variant is pathogenic or benign.

Literature cited by the submitters: PubMed 29524613 (cited by 4 submitters); PubMed 29907873 (cited by Labcorp Genetics (formerly Invitae), Labcorp and Victorian Clinical Genetics Services, Murdoch Childrens Research Institute); PubMed 34011823 (cited by Labcorp Genetics (formerly Invitae), Labcorp); PubMed 37652022 (cited by Labcorp Genetics (formerly Invitae), Labcorp); PubMed 39844436 (cited by Labcorp Genetics (formerly Invitae), Labcorp and Victorian Clinical Genetics Services, Murdoch Childrens Research Institute); PubMed 28679633 (cited by Labcorp Genetics (formerly Invitae), Labcorp); PubMed 32841044 (cited by Victorian Clinical Genetics Services, Murdoch Childrens Research Institute); PubMed 33495596 (cited by Victorian Clinical Genetics Services, Murdoch Childrens Research Institute); PubMed 33954932 (cited by Victorian Clinical Genetics Services, Murdoch Childrens Research Institute); PubMed 32815737 (cited by Victorian Clinical Genetics Services, Murdoch Childrens Research Institute); PubMed 35629155 (cited by Victorian Clinical Genetics Services, Murdoch Childrens Research Institute); PubMed 34097875 (cited by All of Us Research Program, National Institutes of Health and Color Diagnostics, LLC DBA Color Health).